The following is an entry in ClinVar:

NM_020207.7(ERCC6L2):c.817G>A (p.Glu273Lys)

Gene: ERCC6L2 (ERCC excision repair 6 like 2; plus strand). Cytogenetic location: 9q22.32.
Variant type: single nucleotide variant.
Coding change: c.817G>A on transcript NM_020207.7 (MANE Select); coding-DNA position 817, G replaced by A.
Protein change: p.Glu273Lys; replaces glutamic acid 273 with lysine.
Molecular consequence: missense variant. On other transcripts: non-coding transcript variant (1).
Genome position (GRCh38, 1-based): chr9:95,915,696, G>A. VCF-style: chr9-95915696-G-A. GRCh37 (hg19) VCF-style: chr9-98677978-G-A.
Other names: c.817G>A, p.Glu273Lys (NM_001010895.4, NM_001375291.1, NM_001375292.1 and 2 more transcripts); short protein forms E273K.
Identifiers: ClinVar variation 4250619 (VCV004250619.1).
Genomic context (GRCh38, chr9:95,915,696, plus strand): 5'-CAACCTCACCCTTCTTTTTTCTTACTTTATAGTTTGGAATGGTCAGCTGTCATTGTGGAT[G>A]AAGCTCATAGAATCAAGAATCCAAAAGCTAGAGTAACAGAAGTTATGAAAGCTTTGAAAT-3'
Protein context (NP_064592.3, residues 263-283): SLEWSAVIVD[Glu273Lys]AHRIKNPKAR

ClinVar aggregate classification (germline): Uncertain significance (1 of 4 stars; one submission).

Conditions:
Inborn genetic diseases. Identifiers: MedGen C0950123, MeSH D030342.

Submission:

Ambry Genetics
Classification: Uncertain significance for Inborn genetic diseases. Last evaluated: 2025-08-09. Review status: criteria provided, single submitter. Criteria: Ambry Variant Classification Scheme 2023. Collection method: clinical testing. Allele origin: germline.
Comment: The p.E273K variant (also known as c.817G>A), located in coding exon 5 of the ERCC6L2 gene, results from a G to A substitution at nucleotide position 817. The glutamic acid at codon 273 is replaced by lysine, an amino acid with similar properties. This amino acid position is conserved. In addition, this alteration is predicted to be deleterious by in silico analysis. Based on the available evidence, the clinical significance of this variant remains unclear.